The following is an entry in ClinVar:

ClinVar aggregate classification (germline): Pathogenic (1 of 4 stars; one submission).

Conditions:
Ehlers-Danlos syndrome, dermatosparaxis type. Also called: EDS VIIC; Dermatosparaxis; Ehlers-Danlos syndrome, type VII, autosomal recessive. Identifiers: Orphanet 1901, MedGen C2700425, MONDO:0009161, OMIM 225410.

Submission:

Myriad Genetics, Inc.
Classification: Pathogenic for Ehlers-Danlos syndrome, dermatosparaxis type. Last evaluated: 2024-05-14. Review status: criteria provided, single submitter. Criteria: Myriad Autosomal Dominant, Autosomal Recessive and X-Linked Classification Criteria (2023). Collection method: clinical testing. Allele origin: unknown.
Comment: NM_014244.4(ADAMTS2):c.85_86insT(P29Lfs*37) is expected to be pathogenic in the context of Ehlers-Danlos syndrome, ADAMTS2-related. This variant is predicted to lead to an abnormal or absent protein product due to the creation of a premature termination codon in ADAMTS2, a gene where loss-of-function variants are known to be pathogenic. Please note: this variant was assessed in the context of healthy population screening.

NM_014244.5(ADAMTS2):c.85_86insT (p.Pro29fs)

Gene: ADAMTS2 (ADAM metallopeptidase with thrombospondin type 1 motif 2; minus strand). Cytogenetic location: 5q35.3.
Variant type: Insertion.
Coding change: c.85_86insT on transcript NM_014244.5 (MANE Select); coding-DNA positions 85 to 86, T inserted.
Protein change: p.Pro29fs; shifts the reading frame from proline 29.
Molecular consequence: frameshift variant.
Genome position: GRCh38 VCF-style: chr5-179345243-G-GA. GRCh37 (hg19) VCF-style: chr5-178772244-G-GA.
Other names: c.85_86insT, p.Pro29fs (NM_021599.4); short protein forms P29fs.
Identifiers: ClinVar variation 5010533 (VCV005010533.1).
Genomic context (GRCh38, chr5:179,345,243, plus strand): 5'-CACCTACCTGGGGGGTCGGCGGCGGCGGCGAGCCTGGCGTTCGCGGGCGGCGGCGGCGGC[G>GA]GCAGGAGCGGCGGCGGCAGCAGCAGCAGCAGCAGCAGCAGCGCGGGGCAGAGCAGGCGGC-3'